The following is an entry in ClinVar:

NM_033028.5(BBS4):c.760G>A (p.Val254Ile)

Gene: BBS4 (Bardet-Biedl syndrome 4; plus strand). Cytogenetic location: 15q24.1.
Variant type: single nucleotide variant.
Coding change: c.760G>A on transcript NM_033028.5 (MANE Select); coding-DNA position 760, G replaced by A.
Protein change: p.Val254Ile; replaces valine 254 with isoleucine.
Molecular consequence: missense variant. On other transcripts: non-coding transcript variant (2).
Genome position (GRCh38, 1-based): chr15:72,731,353, G>A. VCF-style: chr15-72731353-G-A. GRCh37 (hg19) VCF-style: chr15-73023694-G-A.
Other names: c.244G>A, p.Val82Ile (NM_001252678.2); c.691G>A, p.Val231Ile (NM_001320665.2); c.760G>A (NM_033028.4); short protein forms V82I, V254I, V231I.
Identifiers: ClinVar variation 1392341 (VCV001392341.5), dbSNP rs532770420, ClinGen allele CA7646761.
Genomic context (GRCh38, chr15:72,731,353, plus strand): 5'-CCATGTTTTCAGGCCATCTTGGCAGCAGGCAGCATGATGCAGACCCACGGGGACTTTGAT[G>A]TTGCCCTCACCAAATACAGAGTTGTGGCTTGTGCTGTTCCAGAAAGTCCTCCACTCTGGA-3'
Protein context (NP_149017.2, residues 244-264): SMMQTHGDFD[Val254Ile]ALTKYRVVAC

ClinVar aggregate classification (germline): Uncertain significance. Review status: criteria provided, multiple submitters, no conflicts (2 of 4 stars). 3 submissions from 3 submitters: Uncertain significance (3). Last evaluated 2025-12-19.

Conditions:
Bardet-Biedl syndrome (BBS). Identifiers: Orphanet 110, MedGen C0752166, MONDO:0015229.
Bardet-Biedl syndrome 4 (BBS4). Identifiers: Orphanet 110, MedGen C2936864, MONDO:0014433, OMIM 615982.
BBS4-related disorder. Also called: BBS4-related condition.

Allele frequency attached by ClinVar (database versions not stated): gnomAD 0.00001; gnomAD exomes 0.00001; ExAC 0.00002; 1000 Genomes Project 30x 0.00016; 1000 Genomes Project 0.00020.

Submissions (3):

PreventionGenetics, part of Exact Sciences
Classification: Uncertain significance for BBS4-related condition. Last evaluated: 2025-12-19. Review status: criteria provided, single submitter. Criteria: ACMG Guidelines, 2015. Collection method: clinical testing. Allele origin: germline.
Comment: The BBS4 c.760G>A variant is predicted to result in the amino acid substitution p.Val254Ile. This variant has been reported in the homozygous state in an individual with chronic kidney disease (Saha et al. 2023. PubMed ID: 37464296). This variant is reported in 0.0065% of alleles in individuals of South Asian descent in gnomAD. At this time, the clinical significance of this variant is uncertain due to the absence of conclusive functional and genetic evidence.

Labcorp Genetics (formerly Invitae), Labcorp
Classification: Uncertain significance for Bardet-Biedl syndrome. Last evaluated: 2022-02-04. Review status: criteria provided, single submitter. Criteria: Invitae Variant Classification Sherloc (09022015). Collection method: clinical testing. Allele origin: germline.
Comment: This sequence change replaces valine, which is neutral and non-polar, with isoleucine, which is neutral and non-polar, at codon 254 of the BBS4 protein (p.Val254Ile). This variant is present in population databases (rs532770420, gnomAD 0.01%). This variant has not been reported in the literature in individuals affected with BBS4-related conditions. Algorithms developed to predict the effect of missense changes on protein structure and function are either unavailable or do not agree on the potential impact of this missense change (SIFT: "Tolerated"; PolyPhen-2: "Probably Damaging"; Align-GVGD: "Class C0"). In summary, the available evidence is currently insufficient to determine the role of this variant in disease. Therefore, it has been classified as a Variant of Uncertain Significance.

Fulgent Genetics
Classification: Uncertain significance for Bardet-Biedl syndrome 4. Last evaluated: 2021-11-11. Review status: criteria provided, single submitter. Criteria: ACMG Guidelines, 2015. Collection method: clinical testing. Allele origin: unknown.